The following is an entry in ClinVar:

NM_014915.3(ANKRD26):c.3745C>T (p.Arg1249Cys)

Gene: ANKRD26 (ankyrin repeat domain 26; minus strand). Cytogenetic location: 10p12.1.
Variant type: single nucleotide variant.
Coding change: c.3745C>T on transcript NM_014915.3 (MANE Select); coding-DNA position 3745, C replaced by T.
Protein change: p.Arg1249Cys; replaces arginine 1249 with cysteine.
Molecular consequence: missense variant.
Genome position (GRCh38, 1-based): chr10:27,033,287, G>A on the plus strand (C>T on the coding strand, the complement: ANKRD26 is on the minus strand). VCF-style: chr10-27033287-G-A. GRCh37 (hg19) VCF-style: chr10-27322216-G-A.
Other names: c.3742C>T, p.Arg1248Cys (NM_001256053.2); short protein forms R1248C, R1249C.
Identifiers: ClinVar variation 2884496 (VCV002884496.6), dbSNP rs747558945, ClinGen allele CA5447966.

ClinVar aggregate classification (germline): Uncertain significance. Review status: criteria provided, multiple submitters, no conflicts (2 of 4 stars). 3 submissions from 3 submitters: Uncertain significance (3). Last evaluated 2025-08-12.

Conditions:
Inborn genetic diseases. Identifiers: MedGen C0950123, MeSH D030342.

Allele frequency attached by ClinVar (database versions not stated): ExAC 0.00001; gnomAD 0.00005; TOPMed 0.00005.
gnomAD v4.1: 17 of 1,612,086 alleles (0.0011%); highest among the groups gnomAD compares: African/African-American, 0.012%; no homozygotes.

Submissions (3):

Ambry Genetics
Classification: Uncertain significance for Inborn genetic diseases. Last evaluated: 2025-08-12. Review status: criteria provided, single submitter. Criteria: Ambry Variant Classification Scheme 2023. Collection method: clinical testing. Allele origin: germline.

GeneDx
Classification: Uncertain significance. Last evaluated: 2024-05-13. Review status: criteria provided, single submitter. Criteria: GeneDx Variant Classification Process June 2021. Collection method: clinical testing. Allele origin: germline. Affected: yes.
Comment: Not observed at significant frequency in large population cohorts (gnomAD); In silico analysis supports that this missense variant has a deleterious effect on protein structure/function; Has not been previously published as pathogenic or benign to our knowledge

Labcorp Genetics (formerly Invitae), Labcorp
Classification: Uncertain significance. Last evaluated: 2023-10-13. Review status: criteria provided, single submitter. Criteria: Invitae Variant Classification Sherloc (09022015). Collection method: clinical testing. Allele origin: germline.
Comment: This sequence change replaces arginine, which is basic and polar, with cysteine, which is neutral and slightly polar, at codon 1249 of the ANKRD26 protein (p.Arg1249Cys). The frequency data for this variant in the population databases is considered unreliable, as metrics indicate poor data quality at this position in the gnomAD database. This variant has not been reported in the literature in individuals affected with ANKRD26-related conditions. An algorithm developed to predict the effect of missense changes on protein structure and function (PolyPhen-2) suggests that this variant is likely to be disruptive. In summary, the available evidence is currently insufficient to determine the role of this variant in disease. Therefore, it has been classified as a Variant of Uncertain Significance.